The following is an entry in ClinVar:

ClinVar aggregate classification (germline): Uncertain significance (1 of 4 stars; one submission).

Conditions:
Rhabdoid tumor predisposition syndrome 2 (RTPS2). Identifiers: Orphanet 231108, Orphanet 69077, MedGen C2750074, MONDO:0013224, OMIM 613325.

Submission:

Labcorp Genetics (formerly Invitae), Labcorp
Classification: Uncertain significance for Rhabdoid tumor predisposition syndrome 2. Last evaluated: 2019-10-11. Review status: criteria provided, single submitter. Criteria: Invitae Variant Classification Sherloc (09022015). Collection method: clinical testing. Allele origin: germline.
Comment: This sequence change replaces valine with glycine at codon 1501 of the SMARCA4 protein (p.Val1501Gly). The valine residue is highly conserved and there is a moderate physicochemical difference between valine and glycine. This variant is not present in population databases (ExAC no frequency). This variant has not been reported in the literature in individuals with SMARCA4-related conditions. Algorithms developed to predict the effect of missense changes on protein structure and function (SIFT, PolyPhen-2, Align-GVGD) all suggest that this variant is likely to be disruptive, but these predictions have not been confirmed by published functional studies and their clinical significance is uncertain. In summary, the available evidence is currently insufficient to determine the role of this variant in disease. Therefore, it has been classified as a Variant of Uncertain Significance.

NM_003072.5(SMARCA4):c.4406T>G (p.Val1469Gly)

Gene: SMARCA4 (SWI/SNF related BAF chromatin remodeling complex subunit ATPase 4; plus strand). Cytogenetic location: 19p13.2.
Variant type: single nucleotide variant.
Coding change: c.4406T>G on transcript NM_003072.5 (MANE Select); coding-DNA position 4406, T replaced by G.
Protein change: p.Val1469Gly; replaces valine 1469 with glycine.
Molecular consequence: missense variant. On other transcripts: non-coding transcript variant (1).
Genome position (GRCh38, 1-based): chr19:11,041,542, T>G. VCF-style: chr19-11041542-T-G. GRCh37 (hg19) VCF-style: chr19-11152218-T-G.
Other names: c.4406T>G, p.Val1469Gly (NM_001128844.3); c.4316T>G, p.Val1439Gly (NM_001128845.2, NM_001128846.2); c.4307T>G, p.Val1436Gly (NM_001128847.4, NM_001128848.2, NM_001374457.1); c.4502T>G, p.Val1501Gly (NM_001128849.3); short protein forms V1439G, V1469G, V1436G, V1501G.
Identifiers: ClinVar variation 968460 (VCV000968460.9), dbSNP rs2075613392, ClinGen allele CA404074178.